The following is an entry in ClinVar:

NM_001567.4(INPPL1):c.3469G>A (p.Gly1157Arg)

Gene: INPPL1 (inositol polyphosphate phosphatase like 1; plus strand). Cytogenetic location: 11q13.4.
Variant type: single nucleotide variant.
Coding change: c.3469G>A on transcript NM_001567.4 (MANE Select); coding-DNA position 3469, G replaced by A.
Protein change: p.Gly1157Arg; replaces glycine 1157 with arginine.
Molecular consequence: missense variant.
Genome position (GRCh38, 1-based): chr11:72,237,713, G>A. VCF-style: chr11-72237713-G-A. GRCh37 (hg19) VCF-style: chr11-71948757-G-A.
Other names: short protein forms G1157R.
Identifiers: ClinVar variation 2301372 (VCV002301372.4), dbSNP rs765593407, ClinGen allele CA6170648.

ClinVar aggregate classification (germline): Uncertain significance. Review status: criteria provided, multiple submitters, no conflicts (2 of 4 stars). 2 submissions from 2 submitters: Uncertain significance (2). Last evaluated 2024-10-30.

Conditions:
Inborn genetic diseases. Identifiers: MedGen C0950123, MeSH D030342.

Allele frequency attached by ClinVar (database versions not stated): ExAC 0.00001; gnomAD 0.00001; gnomAD exomes 0.00001; TOPMed 0.00001.
gnomAD v4.1: 15 of 1,611,716 alleles (0.00093%); highest among the groups gnomAD compares: Admixed American, 0.0017%; no homozygotes.

Submissions (2):

Labcorp Genetics (formerly Invitae), Labcorp
Classification: Uncertain significance. Last evaluated: 2024-10-30. Review status: criteria provided, single submitter. Criteria: Invitae Variant Classification Sherloc (09022015). Collection method: clinical testing. Allele origin: germline.
Comment: This sequence change replaces glycine, which is neutral and non-polar, with arginine, which is basic and polar, at codon 1157 of the INPPL1 protein (p.Gly1157Arg). This variant is present in population databases (rs765593407, gnomAD 0.003%). This variant has not been reported in the literature in individuals affected with INPPL1-related conditions. ClinVar contains an entry for this variant (Variation ID: 2301372). An algorithm developed to predict the effect of missense changes on protein structure and function (PolyPhen-2) suggests that this variant is likely to be disruptive. In summary, the available evidence is currently insufficient to determine the role of this variant in disease. Therefore, it has been classified as a Variant of Uncertain Significance.

Ambry Genetics
Classification: Uncertain significance for Inborn genetic diseases. Last evaluated: 2022-07-13. Review status: criteria provided, single submitter. Criteria: Ambry Variant Classification Scheme 2023. Collection method: clinical testing. Allele origin: germline.